The following is an entry in ClinVar:

ClinVar aggregate classification (germline): Benign/Likely benign. Review status: criteria provided, multiple submitters, no conflicts (2 of 4 stars). 5 submissions from 5 submitters: Benign (3); Likely benign (1). 1 of the submissions does not count toward it. Last evaluated 2026-02-01.

Conditions:
TFG-related disorder. Also called: TFG-related disorders; TFG-related condition.
Hereditary motor and sensory neuropathy, Okinawa type (HMSNO). Also called: HEREDITARY MOTOR AND SENSORY NEUROPATHY, PROXIMAL TYPE. Identifiers: Orphanet 90117, MedGen C1858338, MONDO:0011468, OMIM 604484.
Hereditary spastic paraplegia 57. Also called: Spastic paraplegia 57, autosomal recessive. Identifiers: Orphanet 431329, MedGen C3714897, MONDO:0014295, OMIM 615658.
Inborn genetic diseases. Identifiers: MedGen C0950123, MeSH D030342.

Allele frequency attached by ClinVar (database versions not stated): gnomAD 0.00603; 1000 Genomes Project 0.00679; 1000 Genomes Project 30x 0.00718; TOPMed 0.00725; ESP Exome Variant Server 0.00746.
gnomAD v4.1: 1,985 of 1,613,918 alleles (0.12%); highest among the groups gnomAD compares: African/African-American, 2.3%; 20 homozygotes.

Submissions (5):

Labcorp Genetics (formerly Invitae), Labcorp
Classification: Benign for Hereditary motor and sensory neuropathy, Okinawa type; Hereditary spastic paraplegia 57. Last evaluated: 2026-02-01. Review status: criteria provided, single submitter. Criteria: Invitae Variant Classification Sherloc (09022015). Collection method: clinical testing. Allele origin: germline.

Ambry Genetics
Classification: Likely benign for Inborn genetic diseases. Last evaluated: 2019-07-11. Review status: criteria provided, single submitter. Criteria: Ambry Variant Classification Scheme 2023. Collection method: clinical testing. Allele origin: germline.

GeneDx
Classification: Benign. Last evaluated: 2015-04-17. Review status: criteria provided, single submitter. Criteria: GeneDx Variant Classification (06012015). Collection method: clinical testing. Allele origin: germline. Affected: yes.
Comment: This variant is considered likely benign or benign based on one or more of the following criteria: it is a conservative change, it occurs at a poorly conserved position in the protein, it is predicted to be benign by multiple in silico algorithms, and/or has population frequency not consistent with disease.

Breakthrough Genomics
Classification: Benign. Review status: criteria provided, single submitter. Criteria: ACMG Guidelines, 2015. Collection method: not provided. Allele origin: germline. Inheritance: Autosomal recessive inheritance. Affected: yes.

PreventionGenetics, part of Exact Sciences
Classification: Benign for TFG-related condition. Last evaluated: 2019-09-04. Review status: no assertion criteria provided. Collection method: clinical testing. Allele origin: germline. Not counted in ClinVar's aggregate classification.
Comment: This variant is classified as benign based on ACMG/AMP sequence variant interpretation guidelines (Richards et al. 2015 PMID: 25741868, with internal and published modifications).

NM_006070.6(TFG):c.663C>A (p.Gly221=)

Gene: TFG (trafficking from ER to golgi regulator; plus strand). Cytogenetic location: 3q12.2.
Variant type: single nucleotide variant.
Coding change: c.663C>A on transcript NM_006070.6 (MANE Select); coding-DNA position 663, C replaced by A.
Protein change: p.Gly221=; no amino-acid change (glycine 221 retained).
Molecular consequence: synonymous variant.
Genome position (GRCh38, 1-based): chr3:100,736,658, C>A. VCF-style: chr3-100736658-C-A. GRCh37 (hg19) VCF-style: chr3-100455502-C-A.
Other names: c.663C>A, p.Gly221= (NM_001007565.2, NM_001195478.2, NM_001195479.2).
Identifiers: ClinVar variation 378721 (VCV000378721.17), dbSNP rs140669729, ClinGen allele CA2517144.